The following is an entry in ClinVar:

ClinVar aggregate classification (germline): Conflicting classifications of pathogenicity. Review status: criteria provided, conflicting classifications (1 of 4 stars). 3 submissions from 3 submitters: Likely pathogenic (1); Uncertain significance (1). 1 of the submissions does not count toward it. Last evaluated 2019-05-31.

Conditions:
Familial Mediterranean fever (FMF). Also called: POLYSEROSITIS, FAMILIAL PAROXYSMAL; POLYSEROSITIS, RECURRENT; Periodic peritonitis; Benign paroxysmal peritonitis. Identifiers: Orphanet 342, MedGen C0031069, MONDO:0018088, OMIM 249100. Disease mechanism: gain of function.

Submissions (3):

Labcorp Genetics (formerly Invitae), Labcorp
Classification: Uncertain significance for Familial Mediterranean fever. Last evaluated: 2019-05-31. Review status: criteria provided, single submitter. Criteria: Invitae Variant Classification Sherloc (09022015). Collection method: clinical testing. Allele origin: germline.
Comment: This variant is not present in population databases (ExAC no frequency). This sequence change replaces methionine with leucine at codon 680 of the MEFV protein (p.Met680Leu). The methionine residue is weakly conserved and there is a small physicochemical difference between methionine and leucine. This variant has been observed in individuals with suspected familial Mediterranean fever (PMID: 10842288, 23463692, 21246368, 17489852, 16439335). ClinVar contains an entry for this variant (Variation ID: 97480). In summary, the available evidence is currently insufficient to determine the role of this variant in disease. Therefore, it has been classified as a Variant of Uncertain Significance. This variant disrupts the p.Met680 amino acid residue in MEFV. Other variant(s) that disrupt this residue have been determined to be pathogenic (PMID: 23907647, 9288758, 23973724, 21623663, 21600797, 10090880, 11977178, 29080837). This suggests that this residue is clinically significant, and that variants that disrupt this residue are likely to be disease-causing. Algorithms developed to predict the effect of missense changes on protein structure and function (SIFT, PolyPhen-2, Align-GVGD) all suggest that this variant is likely to be tolerated, but these predictions have not been confirmed by published functional studies and their clinical significance is uncertain.

Mendelics
Classification: Likely pathogenic for Familial Mediterranean fever. Last evaluated: 2019-05-28. Review status: criteria provided, single submitter. Criteria: Mendelics Assertion Criteria 2017. Collection method: clinical testing. Allele origin: unknown.

Unité médicale des maladies autoinflammatoires, CHRU Montpellier
No classification provided. Condition: Familial Mediterranean fever. Review status: no classification provided. Collection method: not provided. Allele origin: unknown. Not counted in ClinVar's aggregate classification.

Literature cited by the submitters: PubMed 10842288 (cited by Labcorp Genetics (formerly Invitae), Labcorp); PubMed 23463692 (cited by Labcorp Genetics (formerly Invitae), Labcorp); PubMed 21246368 (cited by Labcorp Genetics (formerly Invitae), Labcorp); PubMed 17489852 (cited by Labcorp Genetics (formerly Invitae), Labcorp); PubMed 16439335 (cited by Labcorp Genetics (formerly Invitae), Labcorp); PubMed 23907647 (cited by Labcorp Genetics (formerly Invitae), Labcorp); PubMed 9288758 (cited by Labcorp Genetics (formerly Invitae), Labcorp); PubMed 23973724 (cited by Labcorp Genetics (formerly Invitae), Labcorp); PubMed 21623663 (cited by Labcorp Genetics (formerly Invitae), Labcorp); PubMed 21600797 (cited by Labcorp Genetics (formerly Invitae), Labcorp); PubMed 10090880 (cited by Labcorp Genetics (formerly Invitae), Labcorp); PubMed 11977178 (cited by Labcorp Genetics (formerly Invitae), Labcorp); PubMed 29080837 (cited by Labcorp Genetics (formerly Invitae), Labcorp).

NM_000243.3(MEFV):c.2038A>C (p.Met680Leu)

Genes: MEFV (MEFV innate immunity regulator, pyrin; minus strand), LOC126862264 (CDK7 strongly-dependent group 2 enhancer GRCh37_chr16:3293322-3294521; plus strand). Cytogenetic location: 16p13.3.
Variant type: single nucleotide variant.
Coding change: c.2038A>C on transcript NM_000243.3 (MANE Select); coding-DNA position 2038, A replaced by C.
Protein change: p.Met680Leu; replaces methionine 680 with leucine.
Molecular consequence: missense variant. On other transcripts: 3 prime UTR variant (1).
Genome position (GRCh38, 1-based): chr16:3,243,449, T>G on the plus strand (A>C on the coding strand, the complement: MEFV is on the minus strand). VCF-style: chr16-3243449-T-G. GRCh37 (hg19) VCF-style: chr16-3293449-T-G.
Other names: c.*242A>C (NM_001198536.2); short protein forms M680L.
Identifiers: ClinVar variation 97480 (VCV000097480.11), dbSNP rs104895089, ClinGen allele CA280489.